The following is an entry in ClinVar:

ClinVar aggregate classification (germline): Conflicting classifications of pathogenicity. Review status: criteria provided, conflicting classifications (1 of 4 stars). 2 submissions from 2 submitters: Uncertain significance (1); Benign (1). Last evaluated 2022-01-20.

Allele frequency attached by ClinVar (database versions not stated): gnomAD 0.00005; gnomAD exomes 0.00012 and 0.00027; 1000 Genomes Project 30x 0.00031; ExAC 0.00057; 1000 Genomes Project 0.00120.
gnomAD v4.1: 166 of 1,528,684 alleles (0.011%); highest among the groups gnomAD compares: South Asian, 0.19%; 1 homozygote.

Submissions (2):

GeneDx
Classification: Uncertain significance. Last evaluated: 2022-01-20. Review status: criteria provided, single submitter. Criteria: GeneDx Variant Classification Process June 2021. Collection method: clinical testing. Allele origin: germline. Affected: yes.
Comment: In silico analysis supports that this missense variant does not alter protein structure/function; Has not been previously published as pathogenic or benign to our knowledge

Labcorp Genetics (formerly Invitae), Labcorp
Classification: Benign. Last evaluated: 2021-11-16. Review status: criteria provided, single submitter. Criteria: Invitae Variant Classification Sherloc (09022015). Collection method: clinical testing. Allele origin: germline.

NM_183357.3(ADCY5):c.208G>C (p.Ala70Pro)

Gene: ADCY5 (adenylate cyclase 5; minus strand). Cytogenetic location: 3q21.1.
Variant type: single nucleotide variant.
Coding change: c.208G>C on transcript NM_183357.3 (MANE Select); coding-DNA position 208, G replaced by C.
Protein change: p.Ala70Pro; replaces alanine 70 with proline.
Molecular consequence: missense variant.
Genome position (GRCh38, 1-based): chr3:123,448,338, C>G on the plus strand (G>C on the coding strand, the complement: ADCY5 is on the minus strand). VCF-style: chr3-123448338-C-G. GRCh37 (hg19) VCF-style: chr3-123167185-C-G.
Other names: c.208G>C, p.Ala70Pro (NM_001378259.1); short protein forms A70P.
Identifiers: ClinVar variation 1327214 (VCV001327214.10), dbSNP rs559947047, ClinGen allele CA2577727.